The following is an entry in ClinVar:

NM_006060.6(IKZF1):c.*9C>T

Gene: IKZF1 (IKAROS family zinc finger 1; plus strand). Cytogenetic location: 7p12.2.
Variant type: single nucleotide variant.
Coding change: c.*9C>T on transcript NM_006060.6 (MANE Select); 9 bases downstream of the stop codon, C replaced by T.
Molecular consequence: 3 prime UTR variant.
Genome position (GRCh38, 1-based): chr7:50,400,636, C>T. VCF-style: chr7-50400636-C-T. GRCh37 (hg19) VCF-style: chr7-50468334-C-T.
Other names: c.*9C>T (NM_001220765.3, NM_001220767.2, NM_001220768.2 and 10 more transcripts).
Identifiers: ClinVar variation 1687660 (VCV001687660.6), dbSNP rs72645704, ClinGen allele CA4261536.
Genomic context (GRCh38, chr7:50,400,636, plus strand): 5'-CGAGTTCTCGTCGCACATAACGCGAGGGGAGCACCGCTTCCACATGAGCTAAAGCCCTCC[C>T]GCGCCCCCACCCCAGACCCCGAGCCACCCCAGGAAAAGCACAAGGACTGCCGCCTTCTCG-3'

ClinVar aggregate classification (germline): Benign/Likely benign. Review status: criteria provided, multiple submitters, no conflicts (2 of 4 stars). 5 submissions from 5 submitters: Benign (4); Likely benign (1). Last evaluated 2026-01-21.

Allele frequency attached by ClinVar (database versions not stated): ESP Exome Variant Server 0.04856; TOPMed 0.04994; gnomAD 0.05216 and 0.05226; 1000 Genomes Project 30x 0.05653; 1000 Genomes Project 0.05911.
gnomAD v4.1: 78,738 of 1,600,194 alleles (4.9%); highest among the groups gnomAD compares: East Asian, 15%; 2,305 homozygotes.

Submissions (5):

Women's Health and Genetics/Laboratory Corporation of America, LabCorp
Classification: Benign. Last evaluated: 2026-01-21. Review status: criteria provided, single submitter. Criteria: LabCorp Variant Classification Summary - May 2015. Collection method: clinical testing. Allele origin: germline.

Blueprint Genetics
Classification: Likely benign. Last evaluated: 2024-11-27. Review status: criteria provided, single submitter. Criteria: ACMG Guidelines, 2015. Collection method: clinical testing. Allele origin: germline.

GeneDx
Classification: Benign. Last evaluated: 2022-05-27. Review status: criteria provided, single submitter. Criteria: GeneDx Variant Classification Process June 2021. Collection method: clinical testing. Allele origin: germline. Affected: yes.
Comment: See Variant Classification Assertion Criteria.

Mayo Clinic Laboratories, Mayo Clinic
Classification: Benign. Last evaluated: 2018-05-17. Review status: criteria provided, single submitter. Criteria: ACMG Guidelines, 2015. Collection method: clinical testing. Allele origin: germline. Observed: 22 variant alleles.

Breakthrough Genomics
Classification: Benign. Review status: criteria provided, single submitter. Criteria: ACMG Guidelines, 2015. Collection method: not provided. Allele origin: germline. Inheritance: Autosomal dominant inheritance. Affected: yes.

Literature cited by the submitters: PubMed 26202931 (cited by Women's Health and Genetics/Laboratory Corporation of America, LabCorp); PubMed 22868967 (cited by Women's Health and Genetics/Laboratory Corporation of America, LabCorp); PubMed 22699455 (cited by Women's Health and Genetics/Laboratory Corporation of America, LabCorp); PubMed 19129520 (cited by Women's Health and Genetics/Laboratory Corporation of America, LabCorp); PubMed 10463586 (cited by Women's Health and Genetics/Laboratory Corporation of America, LabCorp); PubMed 7585946 (cited by Women's Health and Genetics/Laboratory Corporation of America, LabCorp); PubMed 27067989 (cited by Women's Health and Genetics/Laboratory Corporation of America, LabCorp); PubMed 27815723 (cited by Women's Health and Genetics/Laboratory Corporation of America, LabCorp); PubMed 8986714 (cited by Women's Health and Genetics/Laboratory Corporation of America, LabCorp).